The following is an entry in ClinVar:

NM_001267550.2(TTN):c.105127C>T (p.Arg35043Cys)

Genes: TTN (titin; minus strand), TTN-AS1 (TTN antisense RNA 1; plus strand). Cytogenetic location: 2q31.2.
Variant type: single nucleotide variant.
Coding change: c.105127C>T on transcript NM_001267550.2 (MANE Select); coding-DNA position 105127, C replaced by T.
Protein change: p.Arg35043Cys; replaces arginine 35043 with cysteine.
Molecular consequence: missense variant.
Genome position (GRCh38, 1-based): chr2:178,531,488, G>A on the plus strand (C>T on the coding strand, the complement: TTN is on the minus strand). VCF-style: chr2-178531488-G-A. GRCh37 (hg19) VCF-style: chr2-179396215-G-A.
Other names: p.R33402C:CGC>TGC; p.Arg33402Cys; c.100204C>T, p.Arg33402Cys (NM_001256850.1); c.77932C>T, p.Arg25978Cys (NM_003319.4); c.97423C>T, p.Arg32475Cys (NM_133378.4); c.78307C>T, p.Arg26103Cys (NM_133432.3); c.78508C>T, p.Arg26170Cys (NM_133437.4); short protein forms R35043C, R32475C, R33402C, R25978C, R26103C, R26170C.
Identifiers: ClinVar variation 47683 (VCV000047683.44), dbSNP rs200378865, ClinGen allele CA141711.

ClinVar aggregate classification (germline): Conflicting classifications of pathogenicity. Review status: criteria provided, conflicting classifications (1 of 4 stars). 20 submissions from 16 submitters: Uncertain significance (3); Benign (8); Likely benign (7). 2 of the submissions do not count toward it. Last evaluated 2026-01-28.

Conditions:
Cardiovascular phenotype. Identifiers: MedGen CN230736.
Dilated cardiomyopathy 1G (CMD1G). Identifiers: Orphanet 154, MedGen C1858763, MONDO:0011400, OMIM 604145.
Autosomal recessive limb-girdle muscular dystrophy type 2J (LGMDR10). Also called: Limb-girdle muscular dystrophy, type 2J; MUSCULAR DYSTROPHY, LIMB-GIRDLE, AUTOSOMAL RECESSIVE 10. Identifiers: Orphanet 140922, MedGen C1837342, MONDO:0012127, OMIM 608807.
Limb-girdle muscular dystrophy (LGMD). Also called: Muscular Dystrophies, Limb-Girdle. Identifiers: Orphanet 263, MedGen C0686353, MeSH D049288, MONDO:0016971, HP:0006785.
Cardiomyopathy (CMYO). Also called: Cardiomyopathies. Identifiers: Orphanet 167848, MedGen C0878544, MONDO:0004994, HP:0001638. Inheritance: Various modes of inheritance.
Early-onset myopathy with fatal cardiomyopathy (CMYO5). Also called: Salih Myopathy; CONGENITAL MYOPATHY 5 WITH CARDIOMYOPATHY. Identifiers: Orphanet 289377, MedGen C2673677, MONDO:0012714, OMIM 611705. Disease mechanism: loss of function.
Myopathy, myofibrillar, 9, with early respiratory failure (MFM9). Also called: Hereditary myopathy with early respiratory failure; Myopathy, distal, with early respiratory failure, autosomal dominant; EDSTROM MYOPATHY; MYOPATHY, PROXIMAL, WITH EARLY RESPIRATORY MUSCLE INVOLVEMENT. Identifiers: Orphanet 178464, Orphanet 34521, MedGen C1863599, MONDO:0011362, OMIM 603689.
Tibial muscular dystrophy (TMD). Also called: Udd Distal Myopathy – Tibial Muscular Dystrophy; Tibial muscular dystrophy, tardive; UDD MYOPATHY. Identifiers: Orphanet 609, MedGen C1838244, MONDO:0010870, OMIM 600334.

Allele frequency attached by ClinVar (database versions not stated): ExAC 0.00060; 1000 Genomes Project 0.00120; 1000 Genomes Project 30x 0.00156; gnomAD 0.00180 and 0.00197; TOPMed 0.00182; ESP Exome Variant Server 0.00205.
gnomAD v4.1: 571 of 1,613,856 alleles (0.035%); highest among the groups gnomAD compares: African/African-American, 0.66%; 2 homozygotes.

Submissions (20):

Labcorp Genetics (formerly Invitae), Labcorp
Classification: Benign for Dilated cardiomyopathy 1G; Autosomal recessive limb-girdle muscular dystrophy type 2J. Last evaluated: 2026-01-28. Review status: criteria provided, single submitter. Criteria: Invitae Variant Classification Sherloc (09022015). Collection method: clinical testing. Allele origin: germline.

CeGaT Center for Human Genetics Tuebingen
Classification: Likely benign. Last evaluated: 2025-07-01. Review status: criteria provided, single submitter. Criteria: CeGaT Center For Human Genetics Tuebingen Variant Classification Criteria Version 2. Collection method: clinical testing. Allele origin: germline. Affected: yes. Observed: 1 variant allele.
Comment: TTN: BP4, BS1

Mayo Clinic Laboratories, Mayo Clinic
Classification: Likely benign. Last evaluated: 2025-04-09. Review status: criteria provided, single submitter. Criteria: ACMG Guidelines, 2015. Collection method: clinical testing. Allele origin: germline. Observed: 6 variant alleles.

Molecular Diagnostic Laboratory for Inherited Cardiovascular Disease, Montreal Heart Institute
Classification: Likely benign. Last evaluated: 2025-04-09. Review status: criteria provided, single submitter. Criteria: ACMG Guidelines, 2015. Collection method: clinical testing. Allele origin: germline. Affected: no.

Blueprint Genetics
Classification: Likely benign. Last evaluated: 2024-06-24. Review status: criteria provided, single submitter. Criteria: ACMG Guidelines, 2015. Collection method: clinical testing. Allele origin: germline.

Women's Health and Genetics/Laboratory Corporation of America, LabCorp
Classification: Benign. Last evaluated: 2021-03-15. Review status: criteria provided, single submitter. Criteria: LabCorp Variant Classification Summary - May 2015. Collection method: clinical testing. Allele origin: germline.
Comment: Variant summary: TTN c.97423C>T (p.Arg32475Cys) results in a non-conservative amino acid change located in the M-band domain of the encoded protein sequence. Three of four in-silico tools predict a damaging effect of the variant on protein function. The variant allele was found at a frequency of 0.00068 in 280370 control chromosomes, predominantly at a frequency of 0.0072 within the African or African-American subpopulation in the gnomAD database, including 2 homozygotes. The observed variant frequency within African or African-American control individuals in the gnomAD database is approximately 18 fold of the estimated maximal expected allele frequency for a pathogenic variant in TTN causing Dilated Cardiomyopathy phenotype (0.00039), strongly suggesting that the variant is a benign polymorphism found primarily in populations of African or African-American origin. To our knowledge, no occurrence of c.97423C>T in individuals affected with Dilated Cardiomyopathy and no experimental evidence demonstrating its impact on protein function have been reported. Nine ClinVar submitters (evaluation after 2014) cite the variant as uncertain significance (n=1), likely benign (n=3) and benign (n=5). Based on the evidence outlined above, the variant was classified as benign.

Cambridge Genomics Laboratory, East Genomic Laboratory Hub, NHS Genomic Medicine Service
Classification: Likely benign for Limb-girdle muscular dystrophy. Last evaluated: 2019-09-03. Review status: criteria provided, single submitter. Criteria: ACGS Best Practice Guidelines for Variant Classification in Rare Disease 2020. Collection method: clinical testing. Allele origin: germline. Affected: yes. Observed: 1 variant allele.

GeneDx
Classification: Benign. Last evaluated: 2019-06-10. Review status: criteria provided, single submitter. Criteria: GeneDx Variant Classification Process June 2021. Collection method: clinical testing. Allele origin: germline. Affected: yes.
Comment: This variant is associated with the following publications: (PMID: 24558114)

Athena Diagnostics
Classification: Benign. Last evaluated: 2018-12-26. Review status: criteria provided, single submitter. Criteria: Athena Diagnostics Criteria. Collection method: clinical testing. Allele origin: germline.

Ambry Genetics
Classification: Likely benign for Cardiovascular phenotype. Last evaluated: 2018-09-14. Review status: criteria provided, single submitter. Criteria: Ambry Variant Classification Scheme 2023. Collection method: clinical testing. Allele origin: germline.

Illumina Laboratory Services, Illumina
Classification: Uncertain significance for Autosomal recessive limb-girdle muscular dystrophy type 2J. Last evaluated: 2018-01-13. Review status: criteria provided, single submitter. Criteria: ICSL Variant Classification Criteria 13 December 2019. Collection method: clinical testing. Allele origin: germline.

Illumina Laboratory Services, Illumina
Classification: Benign for Myopathy, myofibrillar, 9, with early respiratory failure. Last evaluated: 2018-01-13. Review status: criteria provided, single submitter. Criteria: ICSL Variant Classification Criteria 13 December 2019. Collection method: clinical testing. Allele origin: germline.
Comment: This variant was observed in the ICSL laboratory as part of a predisposition screen in an ostensibly healthy population. It had not been previously curated by ICSL or reported in the Human Gene Mutation Database (HGMD: prior to June 1st, 2018), and was therefore a candidate for classification through an automated scoring system. Utilizing variant allele frequency, disease prevalence and penetrance estimates, and inheritance mode, an automated score was calculated to assess if this variant is too frequent to cause the disease. Based on the score and internal cut-off values, a variant classified as benign is not then subjected to further curation. The score for this variant resulted in a classification of benign for this disease.

Illumina Laboratory Services, Illumina
Classification: Uncertain significance for Dilated cardiomyopathy 1G. Last evaluated: 2018-01-13. Review status: criteria provided, single submitter. Criteria: ICSL Variant Classification Criteria 13 December 2019. Collection method: clinical testing. Allele origin: germline.

Illumina Laboratory Services, Illumina
Classification: Uncertain significance for Early-onset myopathy with fatal cardiomyopathy. Last evaluated: 2018-01-13. Review status: criteria provided, single submitter. Criteria: ICSL Variant Classification Criteria 13 December 2019. Collection method: clinical testing. Allele origin: germline.

Illumina Laboratory Services, Illumina
Classification: Benign for Tibial muscular dystrophy. Last evaluated: 2018-01-13. Review status: criteria provided, single submitter. Criteria: ICSL Variant Classification Criteria 13 December 2019. Collection method: clinical testing. Allele origin: germline.
Comment: the same text as in the submission from Illumina Laboratory Services, Illumina above.

CHEO Genetics Diagnostic Laboratory, Children's Hospital of Eastern Ontario
Classification: Benign for Cardiomyopathy. Last evaluated: 2017-12-01. Review status: criteria provided, single submitter. Criteria: ACMG Guidelines, 2015. Collection method: clinical testing. Allele origin: germline.

Eurofins Ntd Llc (ga)
Classification: Benign. Last evaluated: 2016-03-03. Review status: criteria provided, single submitter. Criteria: EGL Classification Definitions 2015. Collection method: clinical testing. Allele origin: germline. Observed: 2 variant alleles, 2 heterozygotes.

Laboratory for Molecular Medicine, Mass General Brigham Personalized Medicine
Classification: Likely benign. Last evaluated: 2015-06-05. Review status: criteria provided, single submitter. Criteria: LMM Criteria. Collection method: clinical testing. Allele origin: germline. Observed: 8 variant alleles.
Comment: p.Arg32475Cys in exon 307 of TTN: This variant is not expected to have clinical significance because it has been identified in 0.7% (68/9800) of African chromos omes by the Exome Aggregation Consortium (ExAC; dbSNP rs200378865).

Clinical Genetics DNA and cytogenetics Diagnostics Lab, Erasmus MC, Erasmus Medical Center
Classification: Benign. Review status: no assertion criteria provided. Collection method: clinical testing. Allele origin: germline. Affected: yes. Study: VKGL Data-share Consensus. Not counted in ClinVar's aggregate classification.

Clinical Genetics, Academic Medical Center
Classification: Benign. Review status: no assertion criteria provided. Collection method: clinical testing. Allele origin: germline. Affected: yes. Study: VKGL Data-share Consensus. Not counted in ClinVar's aggregate classification.

Literature cited by the submitters: PubMed 24558114 (cited by Athena Diagnostics).